The following is an entry in ClinVar:

NM_001134363.3(RBM20):c.1543G>A (p.Gly515Arg)

Gene: RBM20 (RNA binding motif protein 20; plus strand). Cytogenetic location: 10q25.2.
Variant type: single nucleotide variant.
Coding change: c.1543G>A on transcript NM_001134363.3 (MANE Select); coding-DNA position 1543, G replaced by A.
Protein change: p.Gly515Arg; replaces glycine 515 with arginine.
Molecular consequence: missense variant.
Genome position (GRCh38, 1-based): chr10:110,797,523, G>A. VCF-style: chr10-110797523-G-A. GRCh37 (hg19) VCF-style: chr10-112557281-G-A.
Other names: c.1543G>A (NM_001134363.1); short protein forms G515R.
Identifiers: ClinVar variation 635248 (VCV000635248.12), dbSNP rs1235212712, ClinGen allele CA378389962.

ClinVar aggregate classification (germline): Uncertain significance. Review status: criteria provided, multiple submitters, no conflicts (2 of 4 stars). 3 submissions from 3 submitters: Uncertain significance (3). Last evaluated 2023-09-06.

Conditions:
Dilated cardiomyopathy 1DD (CMD1DD). Identifiers: Orphanet 154, MedGen C2750995, MONDO:0013168, OMIM 613172.
Cardiovascular phenotype. Identifiers: MedGen CN230736.

Submissions (3):

Ambry Genetics
Classification: Uncertain significance for Cardiovascular phenotype. Last evaluated: 2023-09-06. Review status: criteria provided, single submitter. Criteria: Ambry Variant Classification Scheme 2023. Collection method: clinical testing. Allele origin: germline.
Comment: The p.G515R variant (also known as c.1543G>A), located in coding exon 6 of the RBM20 gene, results from a G to A substitution at nucleotide position 1543. The glycine at codon 515 is replaced by arginine, an amino acid with dissimilar properties. This amino acid position is conserved. In addition, this alteration is predicted to be tolerated by in silico analysis. Since supporting evidence is limited at this time, the clinical significance of this alteration remains unclear.

Labcorp Genetics (formerly Invitae), Labcorp
Classification: Uncertain significance for Dilated cardiomyopathy 1DD. Last evaluated: 2022-01-03. Review status: criteria provided, single submitter. Criteria: Invitae Variant Classification Sherloc (09022015). Collection method: clinical testing. Allele origin: germline.
Comment: In summary, the available evidence is currently insufficient to determine the role of this variant in disease. Therefore, it has been classified as a Variant of Uncertain Significance. Advanced modeling of protein sequence and biophysical properties (such as structural, functional, and spatial information, amino acid conservation, physicochemical variation, residue mobility, and thermodynamic stability) performed at Invitae indicates that this missense variant is not expected to disrupt RBM20 protein function. ClinVar contains an entry for this variant (Variation ID: 635248). This variant has not been reported in the literature in individuals affected with RBM20-related conditions. This variant is not present in population databases (gnomAD no frequency). This sequence change replaces glycine, which is neutral and non-polar, with arginine, which is basic and polar, at codon 515 of the RBM20 protein (p.Gly515Arg).

Stanford Center for Inherited Cardiovascular Disease, Stanford University
Classification: Uncertain significance. Last evaluated: 2016-07-22. Review status: criteria provided, single submitter. Criteria: ACMG Guidelines, 2015. Collection method: provider interpretation. Allele origin: germline.